The following is an entry in ClinVar:

NM_006013.5(RPL10):c.-24+2T>G

Genes: RPL10 (ribosomal protein L10; plus strand), LOC130068867 (ATAC-STARR-seq lymphoblastoid active region 30060; plus strand). Cytogenetic location: Xq28.
Variant type: single nucleotide variant.
Coding change: c.-24+2T>G on transcript NM_006013.5 (MANE Select); the canonical splice donor site of the intron after 24 bases upstream of the start codon, T replaced by G.
Molecular consequence: splice donor variant. On other transcripts: 5 prime UTR variant (2).
Genome position (GRCh38, 1-based): chrX:154,398,396, T>G. VCF-style: chrX-154398396-T-G. GRCh37 (hg19) VCF-style: chrX-153626737-T-G.
Other names: c.-124T>G (NM_001303624.2); c.-26T>G (NM_001303625.1); c.-24+2T>G (NM_001256577.2, NM_001256580.2).
Identifiers: ClinVar variation 1806502 (VCV001806502.2), dbSNP rs1557184854, ClinGen allele CA2580101779.

ClinVar aggregate classification (germline): Uncertain significance (1 of 4 stars; one submission).

Submission:

GeneDx
Classification: Uncertain significance. Last evaluated: 2025-06-16. Review status: criteria provided, single submitter. Criteria: GeneDx Variant Classification Process June 2021. Collection method: clinical testing. Allele origin: germline. Affected: yes.
Comment: Not observed at significant frequency in large population cohorts (gnomAD); Canonical splice site variant in a gene or region of a gene for which loss of function is not a well-established mechanism of disease; Has not been previously published as pathogenic or benign to our knowledge